The following is an entry in ClinVar:

ClinVar aggregate classification (germline): Uncertain significance (1 of 4 stars; one submission).

Conditions:
Early-infantile DEE. Also called: Early infantile epileptic encephalopathy; Early infantile epileptic encephalopathy with suppression bursts; Ohtahara syndrome. Identifiers: Orphanet 1934, MedGen C0393706, MONDO:0800491.

Allele frequency attached by ClinVar (database versions not stated): TOPMed below 0.00001; gnomAD 0.00001.
gnomAD v4.1: 1 of 1,614,038 alleles (0.000062%); highest among the groups gnomAD compares: Non-Finnish European, 0.000085%; no homozygotes.

Submission:

Labcorp Genetics (formerly Invitae), Labcorp
Classification: Uncertain significance for Early-infantile DEE. Last evaluated: 2019-05-21. Review status: criteria provided, single submitter. Criteria: Invitae Variant Classification Sherloc (09022015). Collection method: clinical testing. Allele origin: germline.
Comment: This sequence change replaces leucine with serine at codon 553 of the KCNH5 protein (p.Leu553Ser). The leucine residue is highly conserved and there is a large physicochemical difference between leucine and serine. This variant is not present in population databases (ExAC no frequency). This variant has not been reported in the literature in individuals with KCNH5-related disease. Algorithms developed to predict the effect of missense changes on protein structure and function (SIFT, PolyPhen-2, Align-GVGD) all suggest that this variant is likely to be disruptive, but these predictions have not been confirmed by published functional studies and their clinical significance is uncertain. In summary, the available evidence is currently insufficient to determine the role of this variant in disease. Therefore, it has been classified as a Variant of Uncertain Significance.

NM_139318.5(KCNH5):c.1658T>C (p.Leu553Ser)

Gene: KCNH5 (potassium voltage-gated channel subfamily H member 5; minus strand). Cytogenetic location: 14q23.2.
Variant type: single nucleotide variant.
Coding change: c.1658T>C on transcript NM_139318.5 (MANE Select); coding-DNA position 1658, T replaced by C.
Protein change: p.Leu553Ser; replaces leucine 553 with serine.
Molecular consequence: missense variant.
Genome position (GRCh38, 1-based): chr14:62,802,493, A>G on the plus strand (T>C on the coding strand, the complement: KCNH5 is on the minus strand). VCF-style: chr14-62802493-A-G. GRCh37 (hg19) VCF-style: chr14-63269211-A-G.
Other names: c.1658T>C, p.Leu553Ser (NM_172375.3); short protein forms L553S.
Identifiers: ClinVar variation 530494 (VCV000530494.11), dbSNP rs1406117275, ClinGen allele CA390101913.